The following is an entry in ClinVar:

ClinVar aggregate classification (germline): Uncertain significance (1 of 4 stars; one submission).

Submission:

Labcorp Genetics (formerly Invitae), Labcorp
Classification: Uncertain significance. Last evaluated: 2022-07-19. Review status: criteria provided, single submitter. Criteria: Invitae Variant Classification Sherloc (09022015). Collection method: clinical testing. Allele origin: germline.
Comment: In summary, the available evidence is currently insufficient to determine the role of this variant in disease. Therefore, it has been classified as a Variant of Uncertain Significance. Experimental studies and prediction algorithms are not available or were not evaluated, and the functional significance of this variant is currently unknown. ClinVar contains an entry for this variant (Variation ID: 1365581). This variant has not been reported in the literature in individuals affected with SAMD9L-related conditions. This variant is not present in population databases (gnomAD no frequency). This sequence change creates a premature translational stop signal (p.Gly1570*) in the SAMD9L gene. While this is not anticipated to result in nonsense mediated decay, it is expected to disrupt the last 15 amino acid(s) of the SAMD9L protein.

NM_152703.5(SAMD9L):c.4708G>T (p.Gly1570Ter)

Gene: SAMD9L (sterile alpha motif domain containing 9 like; minus strand). Cytogenetic location: 7q21.2.
Variant type: single nucleotide variant.
Coding change: c.4708G>T on transcript NM_152703.5 (MANE Select); coding-DNA position 4708, G replaced by T.
Protein change: p.Gly1570Ter; replaces glycine 1570 with a stop codon.
Molecular consequence: nonsense.
Genome position (GRCh38, 1-based): chr7:93,131,264, C>A on the plus strand (G>T on the coding strand, the complement: SAMD9L is on the minus strand). VCF-style: chr7-93131264-C-A. GRCh37 (hg19) VCF-style: chr7-92760577-C-A.
Other names: c.4708G>T, p.Gly1570Ter (NM_001303496.3, NM_001303497.3, NM_001303498.3 and 5 more transcripts); short protein forms G1570*.
Identifiers: ClinVar variation 1365581 (VCV001365581.6), dbSNP rs2116467146, ClinGen allele CA368169846.